The following is an entry in ClinVar:

NM_019032.6(ADAMTSL4):c.2482C>T (p.Pro828Ser)

Gene: ADAMTSL4 (ADAMTS like 4; plus strand). Cytogenetic location: 1q21.2.
Variant type: single nucleotide variant.
Coding change: c.2482C>T on transcript NM_019032.6 (MANE Select); coding-DNA position 2482, C replaced by T.
Protein change: p.Pro828Ser; replaces proline 828 with serine.
Molecular consequence: missense variant.
Genome position (GRCh38, 1-based): chr1:150,558,572, C>T. VCF-style: chr1-150558572-C-T. GRCh37 (hg19) VCF-style: chr1-150531048-C-T.
Other names: c.2365C>T, p.Pro789Ser (NM_001288607.2); c.2551C>T, p.Pro851Ser (NM_001288608.2); c.2482C>T, p.Pro828Ser (NM_001378596.1, NM_025008.5); short protein forms P828S, P851S, P789S.
Identifiers: ClinVar variation 1475406 (VCV001475406.3), dbSNP rs777776997, ClinGen allele CA1078696.

ClinVar aggregate classification (germline): Uncertain significance (1 of 4 stars; one submission).

Allele frequency attached by ClinVar (database versions not stated): gnomAD exomes below 0.00001 and 0.00001; ExAC 0.00001; TOPMed 0.00001; gnomAD 0.00003.
gnomAD v4.1: 10 of 1,613,004 alleles (0.00062%); highest among the groups gnomAD compares: African/African-American, 0.008%; no homozygotes.

Submission:

Labcorp Genetics (formerly Invitae), Labcorp
Classification: Uncertain significance. Last evaluated: 2021-10-11. Review status: criteria provided, single submitter. Criteria: Invitae Variant Classification Sherloc (09022015). Collection method: clinical testing. Allele origin: germline.
Comment: This sequence change replaces proline with serine at codon 828 of the ADAMTSL4 protein (p.Pro828Ser). The proline residue is highly conserved and there is a moderate physicochemical difference between proline and serine. This variant is present in population databases (rs777776997, ExAC 0.002%). This variant has not been reported in the literature in individuals affected with ADAMTSL4-related conditions. Algorithms developed to predict the effect of missense changes on protein structure and function are either unavailable or do not agree on the potential impact of this missense change (SIFT: "Deleterious"; PolyPhen-2: "Benign"; Align-GVGD: "Class C65"). In summary, the available evidence is currently insufficient to determine the role of this variant in disease. Therefore, it has been classified as a Variant of Uncertain Significance.